The following is an entry in ClinVar:

NM_000465.4(BARD1):c.717G>C (p.Leu239=)

Gene: BARD1 (BRCA1 associated RING domain 1; minus strand). Cytogenetic location: 2q35.
Variant type: single nucleotide variant.
Coding change: c.717G>C on transcript NM_000465.4 (MANE Select); coding-DNA position 717, G replaced by C.
Protein change: p.Leu239=; no amino-acid change (leucine 239 retained).
Molecular consequence: synonymous variant. On other transcripts: non-coding transcript variant (2), intron variant (3).
Genome position (GRCh38, 1-based): chr2:214,781,157, C>G on the plus strand (G>C on the coding strand, the complement: BARD1 is on the minus strand). VCF-style: chr2-214781157-C-G. GRCh37 (hg19) VCF-style: chr2-215645881-C-G.
Other names: c.660G>C, p.Leu220= (NM_001282543.2); c.158+28255G>C (NM_001282548.2); c.215+15904G>C (NM_001282545.2); c.364+11140G>C (NM_001282549.2).
Identifiers: ClinVar variation 3379115 (VCV003379115.1).

ClinVar aggregate classification (germline): Benign (1 of 4 stars; one submission).

Conditions:
Familial cancer of breast. Also called: hereditary breast carcinoma; Hereditary breast cancer; BREAST CANCER, FAMILIAL. Identifiers: Orphanet 227535, MedGen C0346153, MONDO:0016419, OMIM 114480. Disease mechanism: loss of function.

Submission:

Myriad Genetics, Inc.
Classification: Benign for Familial cancer of breast. Last evaluated: 2024-07-22. Review status: criteria provided, single submitter. Criteria: Myriad Autosomal Dominant, Autosomal Recessive and X-Linked Classification Criteria (2023). Collection method: clinical testing. Allele origin: unknown.
Comment: This variant is considered benign. This variant is a silent/synonymous amino acid change and it is not expected to impact splicing.